The following is an entry in ClinVar:

ClinVar aggregate classification (germline): Uncertain significance (1 of 4 stars; one submission).

Conditions:
Von Hippel-Lindau syndrome (VHLS). Also called: Von Hippel-Lindau; von Hippel–Lindau syndrome; VHL syndrome. Identifiers: Orphanet 892, MedGen C0019562, MONDO:0008667, OMIM 193300. Disease mechanism: loss of function.
Chuvash polycythemia. Also called: POLYCYTHEMIA, VHL-DEPENDENT. Identifiers: Orphanet 238557, MedGen C1837915, MONDO:0009892, OMIM 263400.

Submission:

Labcorp Genetics (formerly Invitae), Labcorp
Classification: Uncertain significance for Von Hippel-Lindau syndrome; Chuvash polycythemia. Last evaluated: 2023-12-31. Review status: criteria provided, single submitter. Criteria: Invitae Variant Classification Sherloc (09022015). Collection method: clinical testing. Allele origin: germline.
Comment: This sequence change falls in intron 1 of the VHL gene. It is not expected to change the encoded amino acid sequence of the VHL protein. However, this sequence change falls within a cryptic exon in the VHL gene, known as exon E1’, which is naturally expressed at low levels in several human tissues (PMID: 29891534). This variant is not present in population databases (gnomAD no frequency). This variant has not been reported in the literature in individuals affected with VHL-related conditions. ClinVar contains an entry for this variant (Variation ID: 1464433). Experimental studies and prediction algorithms are not available or were not evaluated, and the functional significance of this variant is currently unknown. Algorithms developed to predict the effect of sequence changes on RNA splicing suggest that this variant is not likely to affect RNA splicing. In summary, the available evidence is currently insufficient to determine the role of this variant in disease. Therefore, it has been classified as a Variant of Uncertain Significance.

Literature cited by the submitters: PubMed 29891534.

NM_000551.4(VHL):c.340+787C>A

Genes: VHL (von Hippel-Lindau tumor suppressor; plus strand), LOC107303340 (3p25 von Hippel-Lindau tumor suppressor, E3 ubiquitin protein ligase Alu-mediated recombination region; plus strand). Cytogenetic location: 3p25.3.
Variant type: single nucleotide variant.
Coding change: c.340+787C>A on transcript NM_000551.4 (MANE Select); 787 bases into the intron after coding-DNA position 340, C replaced by A.
Molecular consequence: intron variant. On other transcripts: missense variant (1).
Genome position (GRCh38, 1-based): chr3:10,142,974, C>A. VCF-style: chr3-10142974-C-A. GRCh37 (hg19) VCF-style: chr3-10184658-C-A.
Other names: c.552C>A, p.Phe184Leu (NM_001354723.2); c.340+787C>A (NM_198156.3); short protein forms F184L.
Identifiers: ClinVar variation 1464433 (VCV001464433.6), dbSNP rs2125126091, ClinGen allele CA2573136139.
Genomic context (GRCh38, chr3:10,142,974, plus strand): 5'-TTACCTGCCTGCTGGGAGATGGAGGGGTTGCGGTTGTGTGGTTTCAGTTAAGGAGCACTT[C>A]CCGGAGAAGGAAGAGAGCAGGATGGAGTAGGAACTAGCCAACCCTAGGTAAGAGGTTCTA-3'